The following is an entry in ClinVar:

ClinVar aggregate classification (germline): Uncertain significance (1 of 4 stars; one submission).

Conditions:
Hereditary sensory and autonomic neuropathy with spastic paraplegia (HSNSP). Identifiers: Orphanet 139578, MedGen C1850395, MONDO:0009748, OMIM 256840.

gnomAD v4.1: 3 of 1,614,254 alleles (0.00019%); highest among the groups gnomAD compares: Non-Finnish European, 0.00025%; no homozygotes.

Submission:

Labcorp Genetics (formerly Invitae), Labcorp
Classification: Uncertain significance for Hereditary sensory and autonomic neuropathy with spastic paraplegia. Last evaluated: 2024-08-11. Review status: criteria provided, single submitter. Criteria: Invitae Variant Classification Sherloc (09022015). Collection method: clinical testing. Allele origin: germline.
Comment: This sequence change replaces isoleucine, which is neutral and non-polar, with serine, which is neutral and polar, at codon 250 of the CCT5 protein (p.Ile250Ser). This variant is not present in population databases (gnomAD no frequency). This variant has not been reported in the literature in individuals affected with CCT5-related conditions. Advanced modeling of protein sequence and biophysical properties (such as structural, functional, and spatial information, amino acid conservation, physicochemical variation, residue mobility, and thermodynamic stability) performed at Invitae indicates that this missense variant is expected to disrupt CCT5 protein function with a positive predictive value of 80%. In summary, the available evidence is currently insufficient to determine the role of this variant in disease. Therefore, it has been classified as a Variant of Uncertain Significance.

NM_012073.5(CCT5):c.749T>G (p.Ile250Ser)

Gene: CCT5 (chaperonin containing TCP1 subunit 5; plus strand). Cytogenetic location: 5p15.2.
Variant type: single nucleotide variant.
Coding change: c.749T>G on transcript NM_012073.5 (MANE Select); coding-DNA position 749, T replaced by G.
Protein change: p.Ile250Ser; replaces isoleucine 250 with serine.
Molecular consequence: missense variant.
Genome position (GRCh38, 1-based): chr5:10,258,411, T>G. VCF-style: chr5-10258411-T-G. GRCh37 (hg19) VCF-style: chr5-10258523-T-G.
Other names: c.686T>G, p.Ile229Ser (NM_001306153.1); c.584T>G, p.Ile195Ser (NM_001306154.2); c.470T>G, p.Ile157Ser (NM_001306155.2); c.635T>G, p.Ile212Ser (NM_001306156.2); short protein forms I250S, I212S, I229S, I157S, I195S.
Identifiers: ClinVar variation 3679506 (VCV003679506.2).
Genomic context (GRCh38, chr5:10,258,411, plus strand): 5'-TCCACCAATTAAAATGTCTTTATGTTCCCCCATAGAAAGTGGAAGATGCGAAGATTGCAA[T>G]TCTCACATGTCCATTTGAACCACCCAAACCAAAAACAAAGCATAAGCTGGATGTGACCTC-3'
Protein context (NP_036205.1, residues 240-260): PKKVEDAKIA[Ile250Ser]LTCPFEPPKP